The following is an entry in ClinVar:

ClinVar aggregate classification (germline): Pathogenic (1 of 4 stars; one submission).

Submission:

Labcorp Genetics (formerly Invitae), Labcorp
Classification: Pathogenic. Last evaluated: 2025-05-16. Review status: criteria provided, single submitter. Criteria: Invitae Variant Classification Sherloc (09022015). Collection method: clinical testing. Allele origin: germline.
Comment: This sequence change creates a premature translational stop signal (p.Thr791Glnfs*28) in the LRRK1 gene. It is expected to result in an absent or disrupted protein product. Loss-of-function variants in LRRK1 are known to be pathogenic (PMID: 23526378, 31571209, 32119750). This variant is not present in population databases (gnomAD no frequency). This variant has not been reported in the literature in individuals affected with LRRK1-related conditions. ClinVar contains an entry for this variant (Variation ID: 2855621). For these reasons, this variant has been classified as Pathogenic.

Literature cited by the submitters: PubMed 23526378; PubMed 31571209; PubMed 32119750.

NM_024652.6(LRRK1):c.2371del (p.Thr791fs)

Gene: LRRK1 (leucine rich repeat kinase 1; plus strand). Cytogenetic location: 15q26.3.
Variant type: Deletion.
Coding change: c.2371del on transcript NM_024652.6 (MANE Select); coding-DNA position 2371, one base deleted (A; older notation c.2371delA).
Protein change: p.Thr791fs; shifts the reading frame from threonine 791.
Molecular consequence: frameshift variant.
Genome position (GRCh38, 1-based): chr15:101,026,103, A deleted. VCF-style (leftmost placement, unchanged base first): chr15-101026102-CA-C. GRCh37 (hg19) VCF-style: chr15-101566307-CA-C.
Other names: short protein forms T791fs.
Identifiers: ClinVar variation 2855621 (VCV002855621.3), dbSNP rs2496857977, ClinGen allele CA2739269806.
Genomic context (GRCh38, chr15:101,026,102, plus strand): 5'-GATTGCAACGCTGCGTGCCTATGTGCTGGCACTCTGCCGCTCCCCCTCCGGCTCCAGGGC[CA>C]CAGGCTTCCCAGACATCACCTTCAAACACTTACAGTGAGTGCCCAGCCTCGGGCAGCTCC-3'